The following is an entry in ClinVar:

ClinVar aggregate classification (germline): Conflicting classifications of pathogenicity. Review status: criteria provided, conflicting classifications (1 of 4 stars). 3 submissions from 3 submitters: Uncertain significance (1); Benign (1); Likely benign (1). Last evaluated 2024-10-16.

Conditions:
Inborn genetic diseases. Identifiers: MedGen C0950123, MeSH D030342.

Allele frequency attached by ClinVar (database versions not stated): TOPMed below 0.00001; gnomAD 0.00001; gnomAD exomes 0.00001.
gnomAD v4.1: 14 of 1,614,058 alleles (0.00087%); highest among the groups gnomAD compares: Admixed American, 0.0017%; no homozygotes.

Submissions (3):

Ambry Genetics
Classification: Uncertain significance for Inborn genetic diseases. Last evaluated: 2024-10-16. Review status: criteria provided, single submitter. Criteria: Ambry Variant Classification Scheme 2023. Collection method: clinical testing. Allele origin: germline.

CeGaT Center for Human Genetics Tuebingen
Classification: Likely benign. Last evaluated: 2024-10-01. Review status: criteria provided, single submitter. Criteria: CeGaT Center For Human Genetics Tuebingen Variant Classification Criteria Version 2. Collection method: clinical testing. Allele origin: germline. Affected: yes. Observed: 1 variant allele.
Comment: MTOR: BP5

Labcorp Genetics (formerly Invitae), Labcorp
Classification: Benign. Last evaluated: 2022-11-22. Review status: criteria provided, single submitter. Criteria: Invitae Variant Classification Sherloc (09022015). Collection method: clinical testing. Allele origin: germline.

NM_004958.4(MTOR):c.1658G>A (p.Arg553His)

Gene: MTOR (mechanistic target of rapamycin kinase; minus strand). Cytogenetic location: 1p36.22.
Variant type: single nucleotide variant.
Coding change: c.1658G>A on transcript NM_004958.4 (MANE Select); coding-DNA position 1658, G replaced by A.
Protein change: p.Arg553His; replaces arginine 553 with histidine.
Molecular consequence: missense variant.
Genome position (GRCh38, 1-based): chr1:11,240,431, C>T on the plus strand (G>A on the coding strand, the complement: MTOR is on the minus strand). VCF-style: chr1-11240431-C-T. GRCh37 (hg19) VCF-style: chr1-11300488-C-T.
Other names: c.1658G>A (NM_004958.3); short protein forms R553H.
Identifiers: ClinVar variation 1022073 (VCV001022073.23), dbSNP rs1452329078, ClinGen allele CA338392651.